The following is an entry in ClinVar:

ClinVar aggregate classification (germline): Likely benign (1 of 4 stars; one submission).

Conditions:
Hereditary pheochromocytoma and paraganglioma. Also called: Hereditary pheochromocytoma-paraganglioma; Hereditary Paraganglioma-Pheochromocytoma Syndromes; Hereditary paragangliomas and pheochromocytomas. Identifiers: Orphanet 29072, MedGen C4274332, MONDO:0017366.

Submission:

All of Us Research Program, National Institutes of Health
Classification: Likely benign for Hereditary pheochromocytoma and paraganglioma. Last evaluated: 2023-08-15. Review status: criteria provided, single submitter. Criteria: ACMG Guidelines, 2015. Collection method: clinical testing. Allele origin: germline. Inheritance: Autosomal dominant inheritance. Observed: 1 variant allele, 1 heterozygote.
Comment: This study involves interpretation of variants in research participants for the purpose of population health screening. Participant phenotype was not available at the time of variant classification. Additional details can be found in publication PMID: 35346344, PMCID: PMC8962531

NM_003000.3(SDHB):c.643-6T>C

Gene: SDHB (succinate dehydrogenase complex iron sulfur subunit B; minus strand). Cytogenetic location: 1p36.13.
Variant type: single nucleotide variant.
Coding change: c.643-6T>C on transcript NM_003000.3 (MANE Select); 6 bases into the intron before coding-DNA position 643, T replaced by C.
Molecular consequence: intron variant.
Genome position (GRCh38, 1-based): chr1:17,022,736, A>G on the plus strand (T>C on the coding strand, the complement: SDHB is on the minus strand). VCF-style: chr1-17022736-A-G. GRCh37 (hg19) VCF-style: chr1-17349231-A-G.
Other names: c.589-6T>C (NM_001407361.1).
Identifiers: ClinVar variation 3072659 (VCV003072659.1), dbSNP rs2101514056, ClinGen allele CA2825000868.